The following is an entry in ClinVar:

NM_004370.6(COL12A1):c.5252-13A>C

Gene: COL12A1 (collagen type XII alpha 1 chain; minus strand). Cytogenetic location: 6q13.
Variant type: single nucleotide variant.
Coding change: c.5252-13A>C on transcript NM_004370.6 (MANE Select); 13 bases into the intron before coding-DNA position 5252, A replaced by C.
Molecular consequence: intron variant.
Genome position (GRCh38, 1-based): chr6:75,137,592, T>G on the plus strand (A>C on the coding strand, the complement: COL12A1 is on the minus strand). VCF-style: chr6-75137592-T-G. GRCh37 (hg19) VCF-style: chr6-75847308-T-G.
Other names: c.1760-13A>C (NM_001424116.1, NM_080645.3); c.4979-13A>C (NM_001424115.1); c.5231-13A>C (NM_001424114.1); c.5252-13A>C (NM_001424113.1).
Identifiers: ClinVar variation 4794313 (VCV004794313.2).

ClinVar aggregate classification (germline): Likely benign. Review status: criteria provided, multiple submitters, no conflicts (2 of 4 stars). 2 submissions from 2 submitters: Likely benign (2). Last evaluated 2026-04-16.

Conditions:
Ullrich congenital muscular dystrophy 2 (UCMD2). Identifiers: Orphanet 75840, MedGen C4225314, MONDO:0014654, OMIM 616470.
Bethlem myopathy 2 (BTHLM2). Identifiers: Orphanet 536516, Orphanet 610, MedGen C4225313, MONDO:0034022, OMIM 616471.

Submissions (2):

Women's Health and Genetics/Laboratory Corporation of America, LabCorp
Classification: Likely benign. Last evaluated: 2026-04-16. Review status: criteria provided, single submitter. Criteria: LabCorp Variant Classification Summary - May 2015. Collection method: clinical testing. Allele origin: germline.
Comment: Variant summary: COL12A1 c.5252-13A>C alters a nucleotide located at a position not widely known to affect splicing. Consensus agreement among computation tools predict no significant impact on normal splicing. However, these predictions have yet to be confirmed by functional studies. The variant was absent in 248858 control chromosomes. The available data on variant occurrences in the general population are insufficient to allow any conclusion about variant significance. To our knowledge, no occurrence of c.5252-13A>C in individuals affected with COL12A1-related conditions and no experimental evidence demonstrating its impact on protein function have been reported. ClinVar contains an entry for this variant (Variation ID: 4794313). Based on the evidence outlined above, the variant was classified as likely benign.

Labcorp Genetics (formerly Invitae), Labcorp
Classification: Likely benign for Bethlem myopathy 2; Ullrich congenital muscular dystrophy 2. Last evaluated: 2025-12-28. Review status: criteria provided, single submitter. Criteria: Invitae Variant Classification Sherloc (09022015). Collection method: clinical testing. Allele origin: germline.